The following is an entry in ClinVar:

NM_012291.5(ESPL1):c.5578G>A (p.Gly1860Arg)

Gene: ESPL1 (extra spindle pole bodies like 1, separase; plus strand). Cytogenetic location: 12q13.13.
Variant type: single nucleotide variant.
Coding change: c.5578G>A on transcript NM_012291.5 (MANE Select); coding-DNA position 5578, G replaced by A.
Protein change: p.Gly1860Arg; replaces glycine 1860 with arginine.
Molecular consequence: missense variant.
Genome position (GRCh38, 1-based): chr12:53,291,747, G>A. VCF-style: chr12-53291747-G-A. GRCh37 (hg19) VCF-style: chr12-53685531-G-A.
Other names: short protein forms G1860R.
Identifiers: ClinVar variation 3090475 (VCV003090475.2), dbSNP rs778143225, ClinGen allele CA6597964.

ClinVar aggregate classification (germline): Uncertain significance. Review status: criteria provided, multiple submitters, no conflicts (2 of 4 stars). 2 submissions from 2 submitters: Uncertain significance (2). Last evaluated 2026-08-21.

Conditions:
ESPL1-related disorder. Also called: ESPL1-related condition.

Allele frequency attached by ClinVar (database versions not stated): gnomAD 0.00001; gnomAD exomes 0.00001; ExAC 0.00004; TOPMed 0.00003.
gnomAD v4.1: 19 of 1,613,838 alleles (0.0012%); highest among the groups gnomAD compares: Admixed American, 0.022%; no homozygotes.

Submissions (2):

PreventionGenetics, part of Exact Sciences
Classification: Uncertain significance for ESPL1-related condition. Last evaluated: 2026-08-21. Review status: criteria provided, single submitter. Criteria: ACMG Guidelines, 2015. Collection method: clinical testing. Allele origin: germline.
Comment: The ESPL1 c.5578G>A variant is predicted to result in the amino acid substitution p.Gly1860Arg. To our knowledge, this variant has not been reported in the literature. This variant is reported in 0.029% of alleles in individuals of Latino descent in gnomAD. At this time, the clinical significance of this variant is uncertain due to the absence of conclusive functional and genetic evidence.

Ambry Genetics
Classification: Uncertain significance. Last evaluated: 2023-12-18. Review status: criteria provided, single submitter. Criteria: Ambry Variant Classification Scheme 2023. Collection method: clinical testing. Allele origin: germline.